The following is an entry in ClinVar:

NM_000088.4(COL1A1):c.299-9G>T

Gene: COL1A1 (collagen type I alpha 1 chain; minus strand). Cytogenetic location: 17q21.33.
Variant type: single nucleotide variant.
Coding change: c.299-9G>T on transcript NM_000088.4 (MANE Select); 9 bases into the intron before coding-DNA position 299, G replaced by T.
Molecular consequence: intron variant.
Genome position (GRCh38, 1-based): chr17:50,199,599, C>A on the plus strand (G>T on the coding strand, the complement: COL1A1 is on the minus strand). VCF-style: chr17-50199599-C-A. GRCh37 (hg19) VCF-style: chr17-48276960-C-A.
Identifiers: ClinVar variation 498524 (VCV000498524.22), dbSNP rs373041336, ClinGen allele CA8645764.

ClinVar aggregate classification (germline): Conflicting classifications of pathogenicity. Review status: criteria provided, conflicting classifications (1 of 4 stars). 6 submissions from 6 submitters: Uncertain significance (1); Benign (1); Likely benign (4). Last evaluated 2025-10-07.

Conditions:
Osteogenesis imperfecta type I (OI1). Also called: Lobstein disease; Lobstein's Disease; Classic Non-deforming Osteogenesis Imperfecta with Blue Sclerae; OI, TYPE I; OSTEOGENESIS IMPERFECTA TARDA; OSTEOGENESIS IMPERFECTA WITH BLUE SCLERAE. Identifiers: Orphanet 216796, Orphanet 666, MedGen C0023931, MONDO:0008146, OMIM 166200. Disease mechanism: loss of function.
Ehlers-Danlos syndrome (EDS). Identifiers: Orphanet 98249, MedGen C0013720, MONDO:0020066.

Allele frequency attached by ClinVar (database versions not stated): TOPMed 0.00002; gnomAD 0.00004; ExAC 0.00006; ESP Exome Variant Server 0.00031.

Submissions (6):

Labcorp Genetics (formerly Invitae), Labcorp
Classification: Likely benign for Osteogenesis imperfecta type I. Last evaluated: 2025-10-07. Review status: criteria provided, single submitter. Criteria: Invitae Variant Classification Sherloc (09022015). Collection method: clinical testing. Allele origin: germline.

Women's Health and Genetics/Laboratory Corporation of America, LabCorp
Classification: Benign. Last evaluated: 2025-01-15. Review status: criteria provided, single submitter. Criteria: LabCorp Variant Classification Summary - May 2015. Collection method: clinical testing. Allele origin: germline.
Comment: Variant summary: COL1A1 c.299-9G>T alters a non-conserved nucleotide located at a position not widely known to affect splicing. Consensus agreement among computation tools predict no significant impact on normal splicing. However, these predictions have yet to be confirmed by functional studies. The variant allele was found at a frequency of 4.8e-05 in 251376 control chromosomes. The observed variant frequency is approximately 1.59 fold of the estimated maximal expected allele frequency for a pathogenic variant in COL1A1 causing Osteogenesis imperfecta type I phenotype (3e-05). c.299-9G>T has been reported in the literature in individuals affected with early-stage osteoporosis, however these individuals also had variants in other potneitally causative genes (e.g., Peris_2022). Therefore, these report(s) do not provide unequivocal conclusions about association of the variant with COL1A1-related conditions. To our knowledge, no experimental evidence demonstrating an impact on protein function has been reported. The following publication has been ascertained in the context of this evaluation (PMID: 36396825). ClinVar contains an entry for this variant (Variation ID: 498524). Based on the evidence outlined above, the variant was classified as benign.

Blueprint Genetics
Classification: Likely benign. Last evaluated: 2024-09-09. Review status: criteria provided, single submitter. Criteria: ACMG Guidelines, 2015. Collection method: clinical testing. Allele origin: germline.

Genome Diagnostics Laboratory, The Hospital for Sick Children
Classification: Likely benign for Ehlers-Danlos syndrome. Last evaluated: 2020-03-01. Review status: criteria provided, single submitter. Criteria: ACMG Guidelines, 2015. Collection method: clinical testing. Allele origin: germline.

GeneDx
Classification: Likely benign. Last evaluated: 2018-04-06. Review status: criteria provided, single submitter. Criteria: GeneDx Variant Classification (06012015). Collection method: clinical testing. Allele origin: germline. Affected: yes.
Comment: This variant is considered likely benign or benign based on one or more of the following criteria: it is a conservative change, it occurs at a poorly conserved position in the protein, it is predicted to be benign by multiple in silico algorithms, and/or has population frequency not consistent with disease.

Eurofins Ntd Llc (ga)
Classification: Uncertain significance. Last evaluated: 2016-11-29. Review status: criteria provided, single submitter. Criteria: EGL Classification Definitions 2015. Collection method: clinical testing. Allele origin: germline. Observed: 1 variant allele, 1 heterozygote.

Literature cited by the submitters: PubMed 36396825 (cited by Women's Health and Genetics/Laboratory Corporation of America, LabCorp).